The following is an entry in ClinVar:

ClinVar aggregate classification (germline): Uncertain significance (1 of 4 stars; one submission).

Allele frequency attached by ClinVar (database versions not stated): gnomAD 0.00003; ExAC 0.00020; 1000 Genomes Project 30x 0.00031; 1000 Genomes Project 0.00040.
gnomAD v4.1: 104 of 1,614,152 alleles (0.0064%); highest among the groups gnomAD compares: South Asian, 0.1%; 2 homozygotes.

Submission:

Labcorp Genetics (formerly Invitae), Labcorp
Classification: Uncertain significance. Last evaluated: 2022-02-08. Review status: criteria provided, single submitter. Criteria: Invitae Variant Classification Sherloc (09022015). Collection method: clinical testing. Allele origin: germline.
Comment: In summary, the available evidence is currently insufficient to determine the role of this variant in disease. Therefore, it has been classified as a Variant of Uncertain Significance. Algorithms developed to predict the effect of missense changes on protein structure and function output the following: SIFT: "Tolerated"; PolyPhen-2: "Benign"; Align-GVGD: "Class C0". The glutamic acid amino acid residue is found in multiple mammalian species, which suggests that this missense change does not adversely affect protein function. This variant has not been reported in the literature in individuals affected with NUP85-related conditions. This variant is present in population databases (rs563354357, gnomAD 0.1%). This sequence change replaces glutamine, which is neutral and polar, with glutamic acid, which is acidic and polar, at codon 589 of the NUP85 protein (p.Gln589Glu).

NM_024844.5(NUP85):c.1765C>G (p.Gln589Glu)

Gene: NUP85 (nucleoporin 85; plus strand). Cytogenetic location: 17q25.1.
Variant type: single nucleotide variant.
Coding change: c.1765C>G on transcript NM_024844.5 (MANE Select); coding-DNA position 1765, C replaced by G.
Protein change: p.Gln589Glu; replaces glutamine 589 with glutamic acid.
Molecular consequence: missense variant.
Genome position (GRCh38, 1-based): chr17:75,234,786, C>G. VCF-style: chr17-75234786-C-G. GRCh37 (hg19) VCF-style: chr17-73230881-C-G.
Other names: c.1627C>G, p.Gln543Glu (NM_001303276.2); c.1630C>G, p.Gln544Glu (NM_001330472.2); short protein forms Q589E, Q543E, Q544E.
Identifiers: ClinVar variation 1919793 (VCV001919793.5), dbSNP rs563354357, ClinGen allele CA8758978.